The following is an entry in ClinVar:

ClinVar aggregate classification (germline): Benign (1 of 4 stars; one submission).

Conditions:
Duane retraction syndrome 2. Identifiers: Orphanet 233, MedGen C0751083, MONDO:0011444, OMIM 604356.

Allele frequency attached by ClinVar (database versions not stated): 1000 Genomes Project 30x 0.00656; 1000 Genomes Project 0.00659; gnomAD 0.00835 and 0.00874; TOPMed 0.00929; gnomAD exomes 0.01143 and 0.01229; ExAC 0.02512.
gnomAD v4.1: 5,208 of 462,550 alleles (1.1%); highest among the groups gnomAD compares: Middle Eastern, 3.5%; 58 homozygotes.

Submission:

Illumina Laboratory Services, Illumina
Classification: Benign for Duane retraction syndrome 2. Last evaluated: 2018-01-12. Review status: criteria provided, single submitter. Criteria: ICSL Variant Classification Criteria 13 December 2019. Collection method: clinical testing. Allele origin: germline.
Comment: This variant was observed in the ICSL laboratory as part of a predisposition screen in an ostensibly healthy population. It had not been previously curated by ICSL or reported in the Human Gene Mutation Database (HGMD: prior to June 1st, 2018), and was therefore a candidate for classification through an automated scoring system. Utilizing variant allele frequency, disease prevalence and penetrance estimates, and inheritance mode, an automated score was calculated to assess if this variant is too frequent to cause the disease. Based on the score and internal cut-off values, a variant classified as benign is not then subjected to further curation. The score for this variant resulted in a classification of benign for this disease.

NM_001822.7(CHN1):c.*677G>A

Gene: CHN1 (chimerin 1; minus strand). Cytogenetic location: 2q31.1.
Variant type: single nucleotide variant.
Coding change: c.*677G>A on transcript NM_001822.7 (MANE Select); 677 bases downstream of the stop codon, G replaced by A.
Molecular consequence: 3 prime UTR variant. On other transcripts: non-coding transcript variant (1).
Genome position (GRCh38, 1-based): chr2:174,799,439, C>T on the plus strand (G>A on the coding strand, the complement: CHN1 is on the minus strand). VCF-style: chr2-174799439-C-T. GRCh37 (hg19) VCF-style: chr2-175664167-C-T.
Other names: c.*677G>A (NM_001025201.4, NM_001206602.2, NM_001371513.1 and 1 more transcripts).
Identifiers: ClinVar variation 332455 (VCV000332455.5), dbSNP rs192645480, ClinGen allele CA1974748.